The following is an entry in ClinVar:

NM_001083962.2(TCF4):c.1688C>T (p.Ala563Val)

Gene: TCF4 (transcription factor 4; minus strand). Cytogenetic location: 18q21.2.
Variant type: single nucleotide variant.
Coding change: c.1688C>T on transcript NM_001083962.2 (MANE Select); coding-DNA position 1688, C replaced by T.
Protein change: p.Ala563Val; replaces alanine 563 with valine.
Molecular consequence: missense variant.
Genome position (GRCh38, 1-based): chr18:55,229,038, G>A on the plus strand (C>T on the coding strand, the complement: TCF4 is on the minus strand). VCF-style: chr18-55229038-G-A. GRCh37 (hg19) VCF-style: chr18-52896269-G-A.
Other names: c.1286C>T, p.Ala429Val (NM_001348212.2, NM_001243233.2); c.1298C>T, p.Ala433Val (NM_001348213.2, NM_001330605.3); c.1193C>T, p.Ala398Val (NM_001348214.2); c.1040C>T, p.Ala347Val (NM_001348215.2); c.1208C>T, p.Ala403Val (NM_001348216.2, NM_001243234.2); c.1616C>T, p.Ala539Val (NM_001348217.1, NM_001348218.2, NM_001369575.1 and 1 more transcripts); c.1604C>T, p.Ala535Val (NM_001348219.2, NM_001369582.1, NM_001369583.1 and 1 more transcripts); c.1601C>T, p.Ala534Val (NM_001348220.1, NM_001369584.1, NM_001369585.1); and 14 more; short protein forms A347V, A398V, A399V, A403V, A429V, A433V, A488V, A492V.
Identifiers: ClinVar variation 3367825 (VCV003367825.1).

ClinVar aggregate classification (germline): Uncertain significance (1 of 4 stars; one submission).

Submission:

GeneDx
Classification: Uncertain significance. Last evaluated: 2024-01-17. Review status: criteria provided, single submitter. Criteria: GeneDx Variant Classification Process June 2021. Collection method: clinical testing. Allele origin: germline. Affected: yes.
Comment: Not observed at significant frequency in large population cohorts (gnomAD); In silico analysis supports that this missense variant does not alter protein structure/function; Has not been previously published as pathogenic or benign to our knowledge